The following is an entry in ClinVar:

NM_000264.5(PTCH1):c.3149_3150dup (p.Trp1051fs)

Gene: PTCH1 (patched 1; minus strand). Cytogenetic location: 9q22.32.
Variant type: Duplication.
Coding change: c.3149_3150dup on transcript NM_000264.5 (MANE Select); coding-DNA positions 3149 to 3150, 2 bases duplicated (CC; older notation c.3149_3150dupCC).
Protein change: p.Trp1051fs; shifts the reading frame from tryptophan 1051.
Molecular consequence: frameshift variant. On other transcripts: non-coding transcript variant (1).
Genome position (GRCh38, 1-based): chr9:95,458,031-95,458,032, GG duplicated on the plus strand (CC on the coding strand, the reverse complement: PTCH1 is on the minus strand); duplicating any 2 consecutive bases within chr9:95,458,031-95,458,034 gives the same sequence; the c. name uses the placement nearest the transcript's 3' end. VCF-style (leftmost placement, unchanged base first): chr9-95458030-A-AGG. GRCh37 (hg19) VCF-style: chr9-98220312-A-AGG.
Other names: c.2951_2952dup, p.Trp985fs (NM_001083602.3); c.3146_3147dup, p.Trp1050fs (NM_001083603.3); c.2696_2697dup, p.Trp900fs (NM_001083604.3, NM_001083605.3, NM_001083606.3 and 1 more transcripts); c.2993_2994dup, p.Trp999fs (NM_001354918.2); c.3149_3150dupCC (NM_000264.3); short protein forms W1051fs, W900fs, W985fs, W999fs, W1050fs.
Identifiers: ClinVar variation 3784626 (VCV003784626.1).
Genomic context (GRCh38, chr9:95,458,030, plus strand): 5'-GAAAGGAATTTGACTTCCACAAAGCCCCTTATAATACACTCACAATGATCCCGGCCGTCC[A>AGG]GGGGTTCAGAAGGAAGACAGCGCACACGAGGAATGTGCAGGCCAACACCACGCTGATGAA-3'

ClinVar aggregate classification (germline): Pathogenic (1 of 4 stars; one submission).

Conditions:
Hereditary cancer-predisposing syndrome. Also called: Neoplastic Syndromes, Hereditary; Hereditary Cancer Syndrome; Tumor predisposition; Hereditary neoplastic syndrome. Identifiers: Orphanet 140162, MedGen C0027672, MeSH D009386, MONDO:0015356.

Submission:

Ambry Genetics
Classification: Pathogenic for Hereditary cancer-predisposing syndrome. Last evaluated: 2025-01-17. Review status: criteria provided, single submitter. Criteria: Ambry Variant Classification Scheme 2023. Collection method: clinical testing. Allele origin: germline.
Comment: The c.3149_3150dupCC pathogenic mutation, located in coding exon 18 of the PTCH1 gene, results from a duplication of CC at nucleotide position 3149, causing a translational frameshift with a predicted alternate stop codon (p.W1051Pfs*8). This variant is considered to be rare based on population cohorts in the Genome Aggregation Database (gnomAD). This alteration is expected to result in loss of function by premature protein truncation or nonsense-mediated mRNA decay. As such, this alteration is interpreted as a disease-causing mutation.